The following is an entry in ClinVar:

NM_001042492.3(NF1):c.731A>G (p.Glu244Gly)

Gene: NF1 (neurofibromin 1; plus strand). Cytogenetic location: 17q11.2.
Variant type: single nucleotide variant.
Coding change: c.731A>G on transcript NM_001042492.3 (MANE Select); coding-DNA position 731, A replaced by G.
Protein change: p.Glu244Gly; replaces glutamic acid 244 with glycine.
Molecular consequence: missense variant.
Genome position (GRCh38, 1-based): chr17:31,182,508, A>G. VCF-style: chr17-31182508-A-G. GRCh37 (hg19) VCF-style: chr17-29509526-A-G.
Other names: c.731A>G, p.Glu244Gly (NM_000267.4, NM_001128147.3); short protein forms E244G.
Identifiers: ClinVar variation 2452258 (VCV002452258.2), dbSNP rs2544753097, ClinGen allele CA398990455.

ClinVar aggregate classification (germline): Uncertain significance (1 of 4 stars; one submission).

Conditions:
Hereditary cancer-predisposing syndrome. Also called: Neoplastic Syndromes, Hereditary; Tumor predisposition; Hereditary neoplastic syndrome; Hereditary Cancer Syndrome. Identifiers: Orphanet 140162, MedGen C0027672, MeSH D009386, MONDO:0015356.
Cardiovascular phenotype. Identifiers: MedGen CN230736.

Submission:

Ambry Genetics
Classification: Uncertain significance for Cardiovascular phenotype; Hereditary cancer-predisposing syndrome. Last evaluated: 2023-01-12. Review status: criteria provided, single submitter. Criteria: Ambry Variant Classification Scheme 2023. Collection method: clinical testing. Allele origin: germline.
Comment: The p.E244G variant (also known as c.731A>G) is located in coding exon 8 of the NF1 gene. The glutamic acid at codon 244 is replaced by glycine, an amino acid with similar properties. This change occurs in the first base pair of coding exon 8. This amino acid position is conserved. In addition, the in silico prediction for this alteration is inconclusive. Since supporting evidence is limited at this time, the clinical significance of this alteration remains unclear.